The following is an entry in ClinVar:

NM_001267550.2(TTN):c.52880G>A (p.Arg17627His)

Genes: TTN-AS1 (TTN antisense RNA 1; plus strand), TTN (titin; minus strand), LOC126806425 (BRD4-independent group 4 enhancer GRCh37_chr2:179471933-179473132; plus strand). Cytogenetic location: 2q31.2.
Variant type: single nucleotide variant.
Coding change: c.52880G>A on transcript NM_001267550.2 (MANE Select); coding-DNA position 52880, G replaced by A.
Protein change: p.Arg17627His; replaces arginine 17627 with histidine.
Molecular consequence: missense variant.
Genome position (GRCh38, 1-based): chr2:178,607,907, C>T on the plus strand (G>A on the coding strand, the complement: TTN is on the minus strand). VCF-style: chr2-178607907-C-T. GRCh37 (hg19) VCF-style: chr2-179472634-C-T.
Other names: c.47957G>A, p.Arg15986His (NM_001256850.1); c.25685G>A, p.Arg8562His (NM_003319.4); c.45176G>A, p.Arg15059His (NM_133378.4); c.26060G>A, p.Arg8687His (NM_133432.3); c.26261G>A, p.Arg8754His (NM_133437.4); short protein forms R17627H, R15059H, R15986H, R8687H, R8562H, R8754H.
Identifiers: ClinVar variation 195714 (VCV000195714.14), dbSNP rs536494011, ClinGen allele CA242262.

ClinVar aggregate classification (germline): Conflicting classifications of pathogenicity. Review status: criteria provided, conflicting classifications (1 of 4 stars). 7 submissions from 7 submitters: Uncertain significance (6); Likely benign (1). Last evaluated 2026-03-27.

Conditions:
TTN-related disorder. Also called: TTN-related condition; TTN-related disease; TTN-related disorders.
Dilated cardiomyopathy 1G (CMD1G). Identifiers: Orphanet 154, MedGen C1858763, MONDO:0011400, OMIM 604145.
Autosomal recessive limb-girdle muscular dystrophy type 2J (LGMDR10). Also called: Limb-girdle muscular dystrophy, type 2J; MUSCULAR DYSTROPHY, LIMB-GIRDLE, AUTOSOMAL RECESSIVE 10. Identifiers: Orphanet 140922, MedGen C1837342, MONDO:0012127, OMIM 608807.
Early-onset myopathy with fatal cardiomyopathy (CMYO5). Also called: Salih Myopathy; CONGENITAL MYOPATHY 5 WITH CARDIOMYOPATHY. Identifiers: Orphanet 289377, MedGen C2673677, MONDO:0012714, OMIM 611705. Disease mechanism: loss of function.
Tibial muscular dystrophy (TMD). Also called: Tibial muscular dystrophy, tardive; Udd Distal Myopathy – Tibial Muscular Dystrophy; UDD MYOPATHY. Identifiers: Orphanet 609, MedGen C1838244, MONDO:0010870, OMIM 600334.
Myopathy, myofibrillar, 9, with early respiratory failure (MFM9). Also called: Myopathy, distal, with early respiratory failure, autosomal dominant; MYOPATHY, PROXIMAL, WITH EARLY RESPIRATORY MUSCLE INVOLVEMENT; Hereditary myopathy with early respiratory failure; EDSTROM MYOPATHY. Identifiers: Orphanet 178464, Orphanet 34521, MedGen C1863599, MONDO:0011362, OMIM 603689.
Hypertrophic cardiomyopathy 9. Also called: Familial hypertrophic cardiomyopathy 9. Identifiers: MedGen C1861065, MONDO:0013412, OMIM 613765.

Allele frequency attached by ClinVar (database versions not stated): gnomAD 0.00002 and 0.00003; gnomAD exomes 0.00003 and 0.00006; TOPMed 0.00003; ExAC 0.00008; 1000 Genomes Project 0.00020; 1000 Genomes Project 30x 0.00031.
gnomAD v4.1: 54 of 1,613,000 alleles (0.0033%); highest among the groups gnomAD compares: Non-Finnish European, 0.0036%; no homozygotes.

Submissions (7):

Molecular Diagnostic Laboratory for Inherited Cardiovascular Disease, Montreal Heart Institute
Classification: Likely benign. Last evaluated: 2026-03-27. Review status: criteria provided, single submitter. Criteria: ACMG Guidelines, 2015. Collection method: clinical testing. Allele origin: germline. Affected: no.

PreventionGenetics, part of Exact Sciences
Classification: Uncertain significance for TTN-related condition. Last evaluated: 2025-06-25. Review status: criteria provided, single submitter. Criteria: ACMG Guidelines, 2015. Collection method: clinical testing. Allele origin: germline.
Comment: The TTN c.52880G>A variant is predicted to result in the amino acid substitution p.Arg17627His. To our knowledge, this variant has not been reported in the literature. This variant is reported in 0.010% of alleles in individuals of European (Non-Finnish) descent in gnomAD. At this time, the clinical significance of this variant is uncertain due to the absence of conclusive functional and genetic evidence.

Revvity Omics, Revvity
Classification: Uncertain significance. Last evaluated: 2024-06-13. Review status: criteria provided, single submitter. Criteria: ACMG Guidelines, 2015. Collection method: clinical testing. Allele origin: germline.

Fulgent Genetics
Classification: Uncertain significance for Tibial muscular dystrophy; Myopathy, myofibrillar, 9, with early respiratory failure; Dilated cardiomyopathy 1G; Autosomal recessive limb-girdle muscular dystrophy type 2J; Early-onset myopathy with fatal cardiomyopathy; Hypertrophic cardiomyopathy 9. Last evaluated: 2021-10-20. Review status: criteria provided, single submitter. Criteria: ACMG Guidelines, 2015. Collection method: clinical testing. Allele origin: unknown.

Labcorp Genetics (formerly Invitae), Labcorp
Classification: Uncertain significance for Dilated cardiomyopathy 1G; Autosomal recessive limb-girdle muscular dystrophy type 2J. Last evaluated: 2018-01-05. Review status: criteria provided, single submitter. Criteria: Invitae Variant Classification Sherloc (09022015). Collection method: clinical testing. Allele origin: germline.

GeneDx
Classification: Uncertain significance. Last evaluated: 2017-04-13. Review status: criteria provided, single submitter. Criteria: GeneDx Variant Classification (06012015). Collection method: clinical testing. Allele origin: germline. Affected: yes.
Comment: The R15986H variant is observed in 8/66696 (0.01%) alleles from individuals of European background (Lek et al., 2016; 1000 Genomes Consortium et al., 2015; Exome Variant Server). This substitution occurs at a position that is conserved in mammals, and in silico analysis predicts this variant is probably damaging to the protein structure/function. However, this variant is a conservative amino acid substitution, which is not likely to impact secondary protein structure as these residues share similar properties. Additionally, the majority of disease associated pathogenic variants in the TTN gene are loss of function and result from truncating variants.

Eurofins Ntd Llc (ga)
Classification: Uncertain significance. Last evaluated: 2015-05-05. Review status: criteria provided, single submitter. Criteria: EGL Classification Definitions 2015. Collection method: clinical testing. Allele origin: germline. Observed: 1 variant allele, 1 heterozygote.